The following is an entry in ClinVar:

ClinVar aggregate classification (germline): Uncertain significance (1 of 4 stars; one submission).

Conditions:
Congenital sideroblastic anemia-B-cell immunodeficiency-periodic fever-developmental delay syndrome. Also called: Sideroblastic anemia with B-cell immunodeficiency, periodic fevers, and developmental delay. Identifiers: Orphanet 369861, MedGen C4015172, MONDO:0014487, OMIM 616084.

Submission:

Labcorp Genetics (formerly Invitae), Labcorp
Classification: Uncertain significance for Congenital sideroblastic anemia-B-cell immunodeficiency-periodic fever-developmental delay syndrome. Last evaluated: 2021-08-12. Review status: criteria provided, single submitter. Criteria: Invitae Variant Classification Sherloc (09022015). Collection method: clinical testing. Allele origin: germline.
Comment: In summary, the available evidence is currently insufficient to determine the role of this variant in disease. Therefore, it has been classified as a Variant of Uncertain Significance. Algorithms developed to predict the effect of missense changes on protein structure and function (SIFT, PolyPhen-2, Align-GVGD) all suggest that this variant is likely to be disruptive. This variant has not been reported in the literature in individuals affected with TRNT1-related conditions. This variant is not present in population databases (ExAC no frequency). This sequence change replaces aspartic acid with histidine at codon 168 of the TRNT1 protein (p.Asp168His). The aspartic acid residue is highly conserved and there is a moderate physicochemical difference between aspartic acid and histidine.

NM_182916.3(TRNT1):c.502G>C (p.Asp168His)

Gene: TRNT1 (tRNA nucleotidyl transferase 1; plus strand). Cytogenetic location: 3p26.2.
Variant type: single nucleotide variant.
Coding change: c.502G>C on transcript NM_182916.3 (MANE Select); coding-DNA position 502, G replaced by C.
Protein change: p.Asp168His; replaces aspartic acid 168 with histidine.
Molecular consequence: missense variant. On other transcripts: non-coding transcript variant (8).
Genome position (GRCh38, 1-based): chr3:3,144,604, G>C. VCF-style: chr3-3144604-G-C. GRCh37 (hg19) VCF-style: chr3-3186288-G-C.
Other names: c.502G>C, p.Asp168His (NM_001302946.2, NM_001367321.1, NM_001367322.1 and 1 more transcripts); short protein forms D168H.
Identifiers: ClinVar variation 1487899 (VCV001487899.6), dbSNP rs746543080, ClinGen allele CA351445084.